The following is an entry in ClinVar:

ClinVar aggregate classification (germline): Conflicting classifications of pathogenicity. Review status: criteria provided, conflicting classifications (1 of 4 stars). 2 submissions from 2 submitters: Uncertain significance (1); Likely benign (1). Last evaluated 2026-09-01.

Allele frequency attached by ClinVar (database versions not stated): TOPMed 0.00001; gnomAD 0.00002; gnomAD exomes 0.00003; ExAC 0.00006.
gnomAD v4.1: 30 of 1,210,083 alleles (0.0025%); highest among the groups gnomAD compares: Non-Finnish European, 0.0032%; no homozygotes.

Submissions (2):

CeGaT Center for Human Genetics Tuebingen
Classification: Likely benign. Last evaluated: 2026-09-01. Review status: criteria provided, single submitter. Criteria: CeGaT Center For Human Genetics Tuebingen Variant Classification Criteria Version 2. Collection method: clinical testing. Allele origin: germline. Affected: yes. Observed: 1 variant allele.
Comment: BCORL1: BP4, BS2

Ambry Genetics
Classification: Uncertain significance. Last evaluated: 2021-10-06. Review status: criteria provided, single submitter. Criteria: Ambry Variant Classification Scheme 2023. Collection method: clinical testing. Allele origin: germline.

NM_001379451.1(BCORL1):c.2902C>T (p.Pro968Ser)

Gene: BCORL1 (BCL6 corepressor like 1; plus strand). Cytogenetic location: Xq26.1.
Variant type: single nucleotide variant.
Coding change: c.2902C>T on transcript NM_001379451.1 (MANE Select); coding-DNA position 2902, C replaced by T.
Protein change: p.Pro968Ser; replaces proline 968 with serine.
Molecular consequence: missense variant.
Genome position (GRCh38, 1-based): chrX:130,015,674, C>T. VCF-style: chrX-130015674-C-T. GRCh37 (hg19) VCF-style: chrX-129149650-C-T.
Other names: c.2902C>T, p.Pro968Ser (NM_001184772.3, NM_001379450.1, NM_021946.5); short protein forms P968S.
Identifiers: ClinVar variation 2254007 (VCV002254007.3), dbSNP rs759886278, ClinGen allele CA10514419.